The following is an entry in ClinVar:

ClinVar aggregate classification (germline): Pathogenic (1 of 4 stars; one submission).

Submission:

Labcorp Genetics (formerly Invitae), Labcorp
Classification: Pathogenic. Last evaluated: 2022-12-31. Review status: criteria provided, single submitter. Criteria: Invitae Variant Classification Sherloc (09022015). Collection method: clinical testing. Allele origin: germline.
Comment: For these reasons, this variant has been classified as Pathogenic. This variant has not been reported in the literature in individuals affected with LZTR1-related conditions. This variant is not present in population databases (gnomAD no frequency). This sequence change creates a premature translational stop signal (p.Lys149*) in the LZTR1 gene. It is expected to result in an absent or disrupted protein product. Loss-of-function variants in LZTR1 are known to be pathogenic (PMID: 24362817, 25335493, 25480913, 25795793, 29469822, 30368668, 30442762, 30442766, 30481304, 30859559).

Literature cited by the submitters: PubMed 24362817; PubMed 25335493; PubMed 25480913; PubMed 25795793; PubMed 29469822; PubMed 30368668; PubMed 30442762; PubMed 30442766; PubMed 30481304; PubMed 30859559.

NM_006767.4(LZTR1):c.445A>T (p.Lys149Ter)

Gene: LZTR1 (leucine zipper like post translational regulator 1; plus strand). Cytogenetic location: 22q11.21.
Variant type: single nucleotide variant.
Coding change: c.445A>T on transcript NM_006767.4 (MANE Select); coding-DNA position 445, A replaced by T.
Protein change: p.Lys149Ter; replaces lysine 149 with a stop codon.
Molecular consequence: nonsense.
Genome position (GRCh38, 1-based): chr22:20,988,054, A>T. VCF-style: chr22-20988054-A-T. GRCh37 (hg19) VCF-style: chr22-21342343-A-T.
Other names: short protein forms K149*.
Identifiers: ClinVar variation 2825606 (VCV002825606.3), dbSNP rs2518613270, ClinGen allele CA410779795.
Genomic context (GRCh38, chr22:20,988,054, plus strand): 5'-CACTCTCTTTACTCAGGGGGTTACACTGGGGACATTTATTCCAATTCTAACTTGAAGAAT[A>T]AAAACGACCTCTTTGAATACAAGTTTGCAACTGGCCAGTGGACGGAGTGGAAAATTGAAG-3'